The following is an entry in ClinVar:

NM_015202.5(KATNIP):c.1098A>G (p.Pro366=)

Gene: KATNIP (katanin interacting protein; plus strand). Cytogenetic location: 16p12.1.
Variant type: single nucleotide variant.
Coding change: c.1098A>G on transcript NM_015202.5 (MANE Select); coding-DNA position 1098, A replaced by G.
Protein change: p.Pro366=; no amino-acid change (proline 366 retained).
Molecular consequence: synonymous variant.
Genome position (GRCh38, 1-based): chr16:27,698,485, A>G. VCF-style: chr16-27698485-A-G. GRCh37 (hg19) VCF-style: chr16-27709806-A-G.
Identifiers: ClinVar variation 777465 (VCV000777465.12), dbSNP rs141145566, ClinGen allele CA7977562.
Genomic context (GRCh38, chr16:27,698,485, plus strand): 5'-CATCCAGGTGGAGAACGCAGCCCTGCAGAGGGCGCTCCTCAGCAGAAAGGCCGAGCAGCC[A>G]GCCAGCCCACTGCAGGTGCGCTCCGGGCTGGGAGAGGAACCGGGGGATGCTCCCTGGACT-3'
Protein context (NP_056017.4, residues 356-376): RALLSRKAEQ[Pro366=]ASPLQDAEGP

ClinVar aggregate classification (germline): Benign/Likely benign. Review status: criteria provided, multiple submitters, no conflicts (2 of 4 stars). 4 submissions from 4 submitters: Benign (2); Likely benign (2). Last evaluated 2026-08-01.

Allele frequency attached by ClinVar (database versions not stated): gnomAD exomes 0.00033 and 0.00086; ExAC 0.00105; gnomAD 0.00213; 1000 Genomes Project 0.00280; TOPMed 0.00331; 1000 Genomes Project 30x 0.00344; ESP Exome Variant Server 0.00354.
gnomAD v4.1: 905 of 1,610,258 alleles (0.056%); highest among the groups gnomAD compares: African/African-American, 0.94%; 3 homozygotes.

Submissions (4):

CeGaT Center for Human Genetics Tuebingen
Classification: Likely benign. Last evaluated: 2026-08-01. Review status: criteria provided, single submitter. Criteria: CeGaT Center For Human Genetics Tuebingen Variant Classification Criteria Version 2. Collection method: clinical testing. Allele origin: germline. Affected: yes. Observed: 2 variant alleles.
Comment: KATNIP: BP4, BP7

Labcorp Genetics (formerly Invitae), Labcorp
Classification: Benign. Last evaluated: 2025-12-25. Review status: criteria provided, single submitter. Criteria: Invitae Variant Classification Sherloc (09022015). Collection method: clinical testing. Allele origin: germline.

Blueprint Genetics
Classification: Likely benign. Last evaluated: 2024-11-26. Review status: criteria provided, single submitter. Criteria: ACMG Guidelines, 2015. Collection method: clinical testing. Allele origin: germline.

Breakthrough Genomics
Classification: Benign. Review status: criteria provided, single submitter. Criteria: ACMG Guidelines, 2015. Collection method: not provided. Allele origin: germline. Inheritance: Autosomal recessive inheritance. Affected: yes.